The following is an entry in ClinVar:

NM_004304.5(ALK):c.1953A>C (p.Lys651Asn)

Gene: ALK (ALK receptor tyrosine kinase; minus strand). Cytogenetic location: 2p23.2.
Variant type: single nucleotide variant.
Coding change: c.1953A>C on transcript NM_004304.5 (MANE Select); coding-DNA position 1953, A replaced by C.
Protein change: p.Lys651Asn; replaces lysine 651 with asparagine.
Molecular consequence: missense variant.
Genome position (GRCh38, 1-based): chr2:29,275,187, T>G on the plus strand (A>C on the coding strand, the complement: ALK is on the minus strand). VCF-style: chr2-29275187-T-G. GRCh37 (hg19) VCF-style: chr2-29498053-T-G.
Other names: short protein forms K651N.
Identifiers: ClinVar variation 4272959 (VCV004272959.1).

ClinVar aggregate classification (germline): Uncertain significance (1 of 4 stars; one submission).

Conditions:
Hereditary cancer-predisposing syndrome. Also called: Hereditary Cancer Syndrome; Hereditary neoplastic syndrome; Neoplastic Syndromes, Hereditary; Tumor predisposition. Identifiers: Orphanet 140162, MedGen C0027672, MeSH D009386, MONDO:0015356.

Submission:

Ambry Genetics
Classification: Uncertain significance for Hereditary cancer-predisposing syndrome. Last evaluated: 2025-08-20. Review status: criteria provided, single submitter. Criteria: Ambry Variant Classification Scheme 2023. Collection method: clinical testing. Allele origin: germline.
Comment: The p.K651N variant (also known as c.1953A>C), located in coding exon 11 of the ALK gene, results from an A to C substitution at nucleotide position 1953. The lysine at codon 651 is replaced by asparagine, an amino acid with similar properties. This amino acid position is conserved. In addition, this alteration is predicted to be tolerated by in silico analysis. Based on the available evidence, the clinical significance of this variant remains unclear.